The following is an entry in ClinVar:

ClinVar aggregate classification (germline): Pathogenic/Likely pathogenic. Review status: criteria provided, multiple submitters, no conflicts (2 of 4 stars). 4 submissions from 4 submitters: Pathogenic (2); Likely pathogenic (2). Last evaluated 2026-01-02.

Conditions:
Multiple congenital anomalies-hypotonia-seizures syndrome 1 (MCAHS1). Also called: PIGN-CDG; Congenital disorder of glycosylation due to PIGN deficiency; GLYCOSYLPHOSPHATIDYLINOSITOL BIOSYNTHESIS DEFECT 3. Identifiers: Orphanet 280633, MedGen C3279775, MONDO:0013563, OMIM 614080.
PIGN-related disorder. Also called: PIGN-related condition.

Submissions (4):

Women's Health and Genetics/Laboratory Corporation of America, LabCorp
Classification: Likely pathogenic for Multiple congenital anomalies-hypotonia-seizures syndrome 1. Last evaluated: 2026-01-02. Review status: criteria provided, single submitter. Criteria: LabCorp Variant Classification Summary - May 2015. Collection method: clinical testing. Allele origin: germline.
Comment: Variant summary: PIGN c.2399G>A (p.Gly800Glu) results in a non-conservative amino acid change in the encoded protein sequence. Algorithms developed to predict the effect of missense changes on protein structure and function all suggest that this variant is likely to be disruptive. The variant was absent in 156506 control chromosomes. c.2399G>A has been observed in individuals affected with Multiple Congenital Anomalies-Hypotonia Syndrome 1 (De Giorgis_2021, Bayat_2022, Sidpra_2024). These data indicate that the variant is likely to be associated with disease. To our knowledge, no experimental evidence demonstrating an impact on protein function has been reported. The following publications have been ascertained in the context of this evaluation (PMID: 35179230, 34051595, 38456468). ClinVar contains an entry for this variant (Variation ID: 1802648). Based on the evidence outlined above, the variant was classified as likely pathogenic.

GeneDx
Classification: Likely pathogenic. Last evaluated: 2024-03-28. Review status: criteria provided, single submitter. Criteria: GeneDx Variant Classification Process June 2021. Collection method: clinical testing. Allele origin: germline. Affected: yes.
Comment: Not observed at significant frequency in large population cohorts (gnomAD); In silico analysis supports that this missense variant has a deleterious effect on protein structure/function; This variant is associated with the following publications: (PMID: 34070668, 35179230, 36322149, 34051595)

Labcorp Genetics (formerly Invitae), Labcorp
Classification: Pathogenic for Multiple congenital anomalies-hypotonia-seizures syndrome 1. Last evaluated: 2023-12-12. Review status: criteria provided, single submitter. Criteria: Invitae Variant Classification Sherloc (09022015). Collection method: clinical testing. Allele origin: germline.
Comment: This sequence change replaces glycine, which is neutral and non-polar, with glutamic acid, which is acidic and polar, at codon 800 of the PIGN protein (p.Gly800Glu). This variant is not present in population databases (gnomAD no frequency). This missense change has been observed in individual(s) with PIGN-congenital disorder of glycosylation (PMID: 34051595, 35179230). In at least one individual the data is consistent with being in trans (on the opposite chromosome) from a pathogenic variant. It has also been observed to segregate with disease in related individuals. Advanced modeling of protein sequence and biophysical properties (such as structural, functional, and spatial information, amino acid conservation, physicochemical variation, residue mobility, and thermodynamic stability) performed at Invitae indicates that this missense variant is expected to disrupt PIGN protein function with a positive predictive value of 80%. Algorithms developed to predict the effect of sequence changes on RNA splicing suggest that this variant may disrupt the consensus splice site. For these reasons, this variant has been classified as Pathogenic.

Blueprint Genetics
Classification: Pathogenic for PIGN-related disorders. Last evaluated: 2022-10-27. Review status: criteria provided, single submitter. Criteria: ACMG Guidelines, 2015. Collection method: clinical testing. Allele origin: germline. Affected: yes. Observed: 2 variant alleles.

Literature cited by the submitters: PubMed 35179230 (cited by Women's Health and Genetics/Laboratory Corporation of America, LabCorp and Labcorp Genetics (formerly Invitae), Labcorp); PubMed 38456468 (cited by Women's Health and Genetics/Laboratory Corporation of America, LabCorp); PubMed 34051595 (cited by Women's Health and Genetics/Laboratory Corporation of America, LabCorp and Labcorp Genetics (formerly Invitae), Labcorp).

NM_176787.5(PIGN):c.2399G>A (p.Gly800Glu)

Gene: PIGN (phosphatidylinositol glycan anchor biosynthesis class N; minus strand). Cytogenetic location: 18q21.33.
Variant type: single nucleotide variant.
Coding change: c.2399G>A on transcript NM_176787.5 (MANE Select); coding-DNA position 2399, G replaced by A.
Protein change: p.Gly800Glu; replaces glycine 800 with glutamic acid.
Molecular consequence: missense variant.
Genome position (GRCh38, 1-based): chr18:62,085,236, C>T on the plus strand (G>A on the coding strand, the complement: PIGN is on the minus strand). VCF-style: chr18-62085236-C-T. GRCh37 (hg19) VCF-style: chr18-59752469-C-T.
Other names: c.2399G>A, p.Gly800Glu (NM_012327.6); c.2399G>A (NM_176787.4); short protein forms G800E.
Identifiers: ClinVar variation 1802648 (VCV001802648.7), dbSNP rs2512444516, ClinGen allele CA402601589.